The following is an entry in ClinVar:

NM_000384.3(APOB):c.6895G>C (p.Asp2299His)

Gene: APOB (apolipoprotein B; minus strand). Cytogenetic location: 2p24.1.
Variant type: single nucleotide variant.
Coding change: c.6895G>C on transcript NM_000384.3 (MANE Select); coding-DNA position 6895, G replaced by C.
Protein change: p.Asp2299His; replaces aspartic acid 2299 with histidine.
Molecular consequence: missense variant.
Genome position (GRCh38, 1-based): chr2:21,009,973, C>G on the plus strand (G>C on the coding strand, the complement: APOB is on the minus strand). VCF-style: chr2-21009973-C-G. GRCh37 (hg19) VCF-style: chr2-21232845-C-G.
Other names: short protein forms D2299H.
Identifiers: ClinVar variation 252485 (VCV000252485.53), dbSNP rs12713681, ClinGen allele CA063699.
Genomic context (GRCh38, chr2:21,009,973, plus strand): 5'-GTTTGACATGCTCAAGAATGTCATTTATTCTTTCAAATGAAATTGTAGTTCCCAATTGAT[C>G]TAAAAGCACTCTAACATCAATAGCCTCAATGTGTTGTTTTAACTTTCCAGCTAGGTGCTG-3'
Protein context (NP_000375.3, residues 2289-2309): IEAIDVRVLL[Asp2299His]QLGTTISFER

ClinVar aggregate classification (germline): Conflicting classifications of pathogenicity. Review status: criteria provided, conflicting classifications (1 of 4 stars). 15 submissions from 14 submitters: Uncertain significance (2); Benign (8); Likely benign (5). Last evaluated 2026-08-01.

Conditions:
Cardiovascular phenotype. Identifiers: MedGen CN230736.
Familial hypobetalipoproteinemia 1. Also called: Hypobetalipoproteinemia, normotriglyceridemic; Acanthocytosis with hypobetalipoproteinemia; APOB-Related Familial Hypobetalipoproteinemia. Identifiers: MedGen C4551990, MONDO:0014252, OMIM 615558.
Hypercholesterolemia, autosomal dominant, type B (FHCL2). Also called: APOB-Related Familial Hypercholesterolemia, Autosomal Dominant; Familial hypercholesterolemia 2; APOLIPOPROTEIN B-100, FAMILIAL DEFECTIVE; APOLIPOPROTEIN B-100, FAMILIAL LIGAND-DEFECTIVE; Familial Hypercholesterolemia Type B; Hyperlipoproteinemia Type IIb. Identifiers: MedGen C1704417, MONDO:0007751, OMIM 144010.
Familial hypercholesterolemia. Also called: Familial hypercholesterolaemia; Familial hypercholesterolemias. Identifiers: MedGen C0020445, MONDO:0005439.
Hypercholesterolemia, familial, 1. Also called: LDL RECEPTOR DISORDER; Hyperlipoproteinemia Type IIa; HYPER-LOW-DENSITY-LIPOPROTEINEMIA; HYPERCHOLESTEROLEMIC XANTHOMATOSIS, FAMILIAL; Fredrickson type IIa hyperlipoproteinemia; Hyperlipoproteinemia type 2. Identifiers: Orphanet 391665, MedGen C0745103, MONDO:0007750, OMIM 143890.

Allele frequency attached by ClinVar (database versions not stated): gnomAD exomes 0.00074; ExAC 0.00204; ESP Exome Variant Server 0.00569; gnomAD 0.00709; TOPMed 0.00790; 1000 Genomes Project 0.00879; 1000 Genomes Project 30x 0.00937.
gnomAD v4.1: 2,206 of 1,613,804 alleles (0.14%); highest among the groups gnomAD compares: African/African-American, 2.5%; 22 homozygotes.

Submissions (15):

CeGaT Center for Human Genetics Tuebingen
Classification: Benign. Last evaluated: 2026-08-01. Review status: criteria provided, single submitter. Criteria: CeGaT Center For Human Genetics Tuebingen Variant Classification Criteria Version 2. Collection method: clinical testing. Allele origin: germline. Affected: yes. Observed: 3 variant alleles.
Comment: APOB: BP4, BS1, BS2

Labcorp Genetics (formerly Invitae), Labcorp
Classification: Benign for Familial hypobetalipoproteinemia 1; Hypercholesterolemia, autosomal dominant, type B. Last evaluated: 2026-02-03. Review status: criteria provided, single submitter. Criteria: Invitae Variant Classification Sherloc (09022015). Collection method: clinical testing. Allele origin: germline.

ARUP Laboratories, Molecular Genetics and Genomics, ARUP Laboratories
Classification: Benign. Last evaluated: 2025-05-19. Review status: criteria provided, single submitter. Criteria: ARUP Molecular Germline Variant Investigation Process 2024. Collection method: clinical testing. Allele origin: germline.

Blueprint Genetics
Classification: Likely benign. Last evaluated: 2024-10-09. Review status: criteria provided, single submitter. Criteria: ACMG Guidelines, 2015. Collection method: clinical testing. Allele origin: germline.

GENinCode PLC
Classification: Benign for Familial hypercholesterolemia. Last evaluated: 2022-06-21. Review status: criteria provided, single submitter. Criteria: ACMG Guidelines, 2015. Collection method: clinical testing. Allele origin: germline.

Quest Diagnostics Nichols Institute San Juan Capistrano
Classification: Benign. Last evaluated: 2022-02-01. Review status: criteria provided, single submitter. Criteria: Quest Diagnostics criteria. Collection method: clinical testing. Allele origin: unknown.

Molecular Diagnostic Laboratory for Inherited Cardiovascular Disease, Montreal Heart Institute
Classification: Likely benign. Last evaluated: 2019-10-29. Review status: criteria provided, single submitter. Criteria: ACMG Guidelines, 2015. Collection method: clinical testing. Allele origin: germline. Affected: yes.

Illumina Laboratory Services, Illumina
Classification: Likely benign for Hypercholesterolemia, autosomal dominant, type B. Last evaluated: 2018-01-13. Review status: criteria provided, single submitter. Criteria: ICSL Variant Classification Criteria 13 December 2019. Collection method: clinical testing. Allele origin: germline.
Comment: This variant was observed in the ICSL laboratory as part of a predisposition screen in an ostensibly healthy population. It had not been previously curated by ICSL or reported in the Human Gene Mutation Database (HGMD: prior to June 1st, 2018), and was therefore a candidate for classification through an automated scoring system. Utilizing variant allele frequency, disease prevalence and penetrance estimates, and inheritance mode, an automated score was calculated to assess if this variant is too frequent to cause the disease. Based on the score and internal cut-off values, a variant classified as likely benign is not then subjected to further curation. The score for this variant resulted in a classification of likely benign for this disease.

Illumina Laboratory Services, Illumina
Classification: Uncertain significance for Familial hypobetalipoproteinemia 1. Last evaluated: 2018-01-13. Review status: criteria provided, single submitter. Criteria: ICSL Variant Classification Criteria 13 December 2019. Collection method: clinical testing. Allele origin: germline.

Robarts Research Institute, Western University
Classification: Likely benign for Hypercholesterolemia, familial, 1. Last evaluated: 2018-01-02. Review status: criteria provided, single submitter. Criteria: ACMG Guidelines, 2015. Collection method: clinical testing. Allele origin: germline. Inheritance: Autosomal dominant inheritance. Affected: yes.

GeneDx
Classification: Benign. Last evaluated: 2017-07-28. Review status: criteria provided, single submitter. Criteria: GeneDx Variant Classification (06012015). Collection method: clinical testing. Allele origin: germline. Affected: yes.
Comment: This variant is considered likely benign or benign based on one or more of the following criteria: it is a conservative change, it occurs at a poorly conserved position in the protein, it is predicted to be benign by multiple in silico algorithms, and/or has population frequency not consistent with disease.

Ambry Genetics
Classification: Benign for Cardiovascular phenotype. Last evaluated: 2017-03-14. Review status: criteria provided, single submitter. Criteria: Ambry Variant Classification Scheme 2023. Collection method: clinical testing. Allele origin: germline.

Laboratory for Molecular Medicine, Mass General Brigham Personalized Medicine
Classification: Benign. Last evaluated: 2016-10-20. Review status: criteria provided, single submitter. Criteria: LMM Criteria. Collection method: clinical testing. Allele origin: germline.
Comment: Variant identified in a genome or exome case(s) and assessed due to predicted null impact of the variant or pathogenic assertions in the literature or databases. Disclaimer: This variant has not undergone full assessment. The following are preliminary notes: Frequency

Laboratory of Genetics and Molecular Cardiology, University of São Paulo
Classification: Uncertain significance for Familial hypercholesterolemia. Last evaluated: 2016-03-01. Review status: criteria provided, single submitter. Criteria: ACMG Guidelines, 2015. Collection method: research. Allele origin: germline. Study: HipercolBrasil.

Genomic Diagnostic Laboratory, Division of Genomic Diagnostics, Children's Hospital of Philadelphia
Classification: Likely benign. Last evaluated: 2015-07-27. Review status: criteria provided, single submitter. Criteria: DGD Variant Analysis Guidelines. Collection method: clinical testing. Allele origin: unknown.

Literature cited by the submitters: PubMed 33303402 (cited by Quest Diagnostics Nichols Institute San Juan Capistrano); PubMed 29540175 (cited by Quest Diagnostics Nichols Institute San Juan Capistrano).